The following is an entry in ClinVar:

ClinVar aggregate classification (germline): Uncertain significance (1 of 4 stars; one submission).

Conditions:
Familial thoracic aortic aneurysm and aortic dissection (TAAD). Also called: Thoracic aortic aneurysms and dissections. Identifiers: Orphanet 91387, MedGen C4707243, MONDO:0019625.
Hereditary cancer-predisposing syndrome. Also called: Tumor predisposition; Hereditary neoplastic syndrome; Neoplastic Syndromes, Hereditary; Hereditary Cancer Syndrome. Identifiers: Orphanet 140162, MedGen C0027672, MeSH D009386, MONDO:0015356.

Submission:

Ambry Genetics
Classification: Uncertain significance for Hereditary cancer-predisposing syndrome; Familial thoracic aortic aneurysm and aortic dissection. Last evaluated: 2018-12-10. Review status: criteria provided, single submitter. Criteria: Ambry Variant Classification Scheme 2023. Collection method: clinical testing. Allele origin: germline.
Comment: The p.G393S variant (also known as c.1177G>A), located in coding exon 9 of the SMAD4 gene, results from a G to A substitution at nucleotide position 1177. The glycine at codon 393 is replaced by serine, an amino acid with similar properties. This amino acid position is highly conserved in available vertebrate species. In addition, this alteration is predicted to be deleterious by in silico analysis. Since supporting evidence is limited at this time, the clinical significance of this alteration remains unclear.

NM_005359.6(SMAD4):c.1177G>A (p.Gly393Ser)

Gene: SMAD4 (SMAD family member 4; plus strand). Cytogenetic location: 18q21.2.
Variant type: single nucleotide variant.
Coding change: c.1177G>A on transcript NM_005359.6 (MANE Select); coding-DNA position 1177, G replaced by A.
Protein change: p.Gly393Ser; replaces glycine 393 with serine.
Molecular consequence: missense variant.
Genome position (GRCh38, 1-based): chr18:51,067,056, G>A. VCF-style: chr18-51067056-G-A. GRCh37 (hg19) VCF-style: chr18-48593426-G-A.
Other names: short protein forms G393S.
Identifiers: ClinVar variation 818501 (VCV000818501.4), dbSNP rs1599196981, ClinGen allele CA402464786.
Genomic context (GRCh38, chr18:51,067,056, plus strand): 5'-GTAATTTCTTTTTTCTTCCTAAGGTTGCACATAGGCAAAGGTGTGCAGTTGGAATGTAAA[G>A]GTGAAGGTGATGTTTGGGTCAGGTGCCTTAGTGACCACGCGGTCTTTGTACAGAGTTACT-3'
Protein context (NP_005350.1, residues 383-403): IGKGVQLECK[Gly393Ser]EGDVWVRCLS